The following is an entry in ClinVar:

ClinVar aggregate classification (germline): Likely pathogenic. Review status: criteria provided, multiple submitters, no conflicts (2 of 4 stars). 2 submissions from 2 submitters: Likely pathogenic (2). Last evaluated 2025-08-04.

Conditions:
Autosomal recessive KIAA0753-related disorders.
KIAA0753-related disorder.

gnomAD v4.1: 11 of 1,561,630 alleles (0.0007%); highest among the groups gnomAD compares: Non-Finnish European, 0.00096%; no homozygotes.

Submissions (2):

Variantyx, Inc.
Classification: Likely pathogenic for Autosomal recessive KIAA0753-related disorders. Last evaluated: 2025-08-04. Review status: criteria provided, single submitter. Criteria: Variantyx Assertion Criteria 2022. Collection method: clinical testing. Allele origin: germline. Inheritance: Autosomal recessive inheritance. Affected: no.
Comment: This is a nonsense variant in the KIAA0753 gene (OMIM: 617112). Pathogenic variants in this gene have been associated with autosomal recessive KIAA0753-related disorders. This variant introduces a premature termination codon in exon 10 out of 19 and is expected to result in loss of function, which is a known disease mechanism for KIAA0753 in these disorders (PVS1)(PMID:26643951;28220259;29138412). This variant has a 0.0010% maximum allele frequency in non-founder control populations (PM2). Based on the current evidence, this variant is classified as likely pathogenic for autosomal recessive KIAA0753-related disorders.

Blueprint Genetics
Classification: Likely pathogenic for KIAA0753-related disorders. Last evaluated: 2019-11-29. Review status: criteria provided, single submitter. Criteria: ACMG Guidelines, 2015. Collection method: clinical testing. Allele origin: germline. Affected: yes. Observed: 2 variant alleles.

Literature cited by the submitters: PubMed 26643951 (cited by Variantyx, Inc.); PubMed 28220259 (cited by Variantyx, Inc.); PubMed 29138412 (cited by Variantyx, Inc.).

NM_014804.3(KIAA0753):c.1783C>T (p.Gln595Ter)

Gene: KIAA0753 (KIAA0753; minus strand). Cytogenetic location: 17p13.1.
Variant type: single nucleotide variant.
Coding change: c.1783C>T on transcript NM_014804.3 (MANE Select); coding-DNA position 1783, C replaced by T.
Protein change: p.Gln595Ter; replaces glutamine 595 with a stop codon.
Molecular consequence: nonsense. On other transcripts: non-coding transcript variant (3).
Genome position (GRCh38, 1-based): chr17:6,608,394, G>A on the plus strand (C>T on the coding strand, the complement: KIAA0753 is on the minus strand). VCF-style: chr17-6608394-G-A. GRCh37 (hg19) VCF-style: chr17-6511714-G-A.
Other names: c.886C>T, p.Gln296Ter (NM_001351225.2); short protein forms Q296*, Q595*.
Identifiers: ClinVar variation 4850723 (VCV004850723.2).
Genomic context (GRCh38, chr17:6,608,394, plus strand): 5'-ATACCAGCACAAACCTGGCTGCTTCATGCTCAACAGCACCTGTCAGGTGACTTTCCTCTT[G>A]AGGATCTTCTTGCTGGAGAGGCTCTTTTGTGGCATCTCTGGGGCTAGTTTTCACCTTTAG-3'